The following is an entry in ClinVar:

ClinVar aggregate classification (germline): Uncertain significance (1 of 4 stars; one submission).

Submission:

Women's Health and Genetics/Laboratory Corporation of America, LabCorp
Classification: Uncertain significance. Last evaluated: 2025-03-17. Review status: criteria provided, single submitter. Criteria: LabCorp Variant Classification Summary - May 2015. Collection method: clinical testing. Allele origin: germline.
Comment: Variant summary: TRDN c.1783+2T>C is located in a canonical splice-site and is predicted to affect mRNA splicing resulting in a significantly altered protein due to either exon skipping, shortening, or inclusion of intronic material. Several computational tools predict a significant impact on normal splicing: Three predict the variant abolishes a 5' splicing donor site. One predicts the variant no significant impact on splicing. However, these predictions have yet to be confirmed by functional studies. Variants that disrupt the consensus splice site are a relatively common cause of aberrant splicing and loss of TRDN function. However, the main TRDN isoform expressed in the heart (NM_001256021) is not impacted by this alteration, as this variant corresponds to the 3'UTR of the gene in that transcript. The variant was absent in 198598 control chromosomes. To our knowledge, no occurrence of c.1783+2T>C in individuals affected with Catecholaminergic Polymorphic Ventricular Tachycardia and no experimental evidence demonstrating its impact on protein function have been reported. No submitters have cited clinical-significance assessments for this variant to ClinVar. Based on the evidence outlined above, the variant was classified as uncertain significance.

NM_006073.4(TRDN):c.1783+2T>C

Gene: TRDN (triadin; minus strand). Cytogenetic location: 6q22.31.
Variant type: single nucleotide variant.
Coding change: c.1783+2T>C on transcript NM_006073.4 (MANE Select); the canonical splice donor site of the intron after coding-DNA position 1783, T replaced by C.
Molecular consequence: splice donor variant.
Genome position (GRCh38, 1-based): chr6:123,267,705, A>G on the plus strand (T>C on the coding strand, the complement: TRDN is on the minus strand). VCF-style: chr6-123267705-A-G. GRCh37 (hg19) VCF-style: chr6-123588850-A-G.
Identifiers: ClinVar variation 3895588 (VCV003895588.1).